The following is an entry in ClinVar:

NM_004168.4(SDHA):c.1517dup (p.Arg507fs)

Gene: SDHA (succinate dehydrogenase complex flavoprotein subunit A; plus strand). Cytogenetic location: 5p15.33.
Variant type: Duplication.
Coding change: c.1517dup on transcript NM_004168.4 (MANE Select); coding-DNA position 1517, one base duplicated (T; older notation c.1517dupT).
Protein change: p.Arg507fs; shifts the reading frame from arginine 507.
Molecular consequence: frameshift variant.
Genome position (GRCh38, 1-based): chr5:240,442, T duplicated. VCF-style (leftmost placement, unchanged base first): chr5-240441-A-AT. GRCh37 (hg19) VCF-style: chr5-240556-A-AT.
Other names: c.1373dup, p.Arg459fs (NM_001294332.2); c.1517dup, p.Arg507fs (NM_001330758.2); short protein forms R459fs, R507fs.
Identifiers: ClinVar variation 4794316 (VCV004794316.1).
Genomic context (GRCh38, chr5:240,441, plus strand): 5'-CCAAACGCTGGGGAAGAATCTGTCATGAATCTTGACAAATTGAGATTTGCTGATGGAAGC[A>AT]TAAGAACATCGGAACTGCGACTCAGCATGCAGAAGGTAAGAGCCTGGACTCGCTCTGGAG-3'

ClinVar aggregate classification (germline): Pathogenic (1 of 4 stars; one submission).

Conditions:
Mitochondrial complex II deficiency, nuclear type 1. Also called: SUCCINATE CoQ REDUCTASE DEFICIENCY. Identifiers: Orphanet 3208, MedGen C5700310, MONDO:0100294, OMIM 252011.
Pheochromocytoma/paraganglioma syndrome 5. Also called: Paragangliomas 5; SDHA-Related Hereditary Paraganglioma-Pheochromocytoma Syndrome. Identifiers: Orphanet 29072, MedGen C3279992, MONDO:0013602, OMIM 614165.

Submission:

Labcorp Genetics (formerly Invitae), Labcorp
Classification: Pathogenic for Pheochromocytoma/paraganglioma syndrome 5; Mitochondrial complex II deficiency, nuclear type 1. Last evaluated: 2025-03-13. Review status: criteria provided, single submitter. Criteria: Invitae Variant Classification Sherloc (09022015). Collection method: clinical testing. Allele origin: germline.
Comment: This sequence change creates a premature translational stop signal (p.Arg507Lysfs*96) in the SDHA gene. It is expected to result in an absent or disrupted protein product. Loss-of-function variants in SDHA are known to be pathogenic (PMID: 22974104, 24781757). This variant is not present in population databases (gnomAD no frequency). This variant has not been reported in the literature in individuals affected with SDHA-related conditions. For these reasons, this variant has been classified as Pathogenic.

Literature cited by the submitters: PubMed 22974104; PubMed 24781757.